The following is an entry in ClinVar:

NM_001211.6(BUB1B):c.1408G>A (p.Glu470Lys)

Gene: BUB1B (BUB1 mitotic checkpoint serine/threonine kinase B; plus strand). Cytogenetic location: 15q15.1.
Variant type: single nucleotide variant.
Coding change: c.1408G>A on transcript NM_001211.6 (MANE Select); coding-DNA position 1408, G replaced by A.
Protein change: p.Glu470Lys; replaces glutamic acid 470 with lysine.
Molecular consequence: missense variant.
Genome position (GRCh38, 1-based): chr15:40,200,250, G>A. VCF-style: chr15-40200250-G-A. GRCh37 (hg19) VCF-style: chr15-40492451-G-A.
Other names: short protein forms E470K.
Identifiers: ClinVar variation 1771957 (VCV001771957.3), dbSNP rs2037548458, ClinGen allele CA391689570.

ClinVar aggregate classification (germline): Uncertain significance (1 of 4 stars; one submission).

Conditions:
Inborn genetic diseases. Identifiers: MedGen C0950123, MeSH D030342.

Allele frequency attached by ClinVar (database versions not stated): gnomAD exomes below 0.00001; TOPMed below 0.00001.

Submission:

Ambry Genetics
Classification: Uncertain significance for Inborn genetic diseases. Last evaluated: 2024-05-07. Review status: criteria provided, single submitter. Criteria: Ambry Variant Classification Scheme 2023. Collection method: clinical testing. Allele origin: germline.
Comment: The p.E470K variant (also known as c.1408G>A), located in coding exon 11 of the BUB1B gene, results from a G to A substitution at nucleotide position 1408. The glutamic acid at codon 470 is replaced by lysine, an amino acid with similar properties. This amino acid position is conserved. In addition, this alteration is predicted to be tolerated by in silico analysis. Since supporting evidence is limited at this time, the clinical significance of this alteration remains unclear.